The following is an entry in ClinVar:

ClinVar aggregate classification (germline): Uncertain significance. Review status: criteria provided, multiple submitters, no conflicts (2 of 4 stars). 2 submissions from 2 submitters: Uncertain significance (2). Last evaluated 2022-06-13.

Conditions:
Orofaciodigital syndrome type 6 (OFD6). Also called: Oral-facial-digital syndrome type 6; Central polydactyly cleft lip/palate or lingual lump and psychomotor retardation; Y-shaped central metacarpal and cerebellar defect; Joubert syndrome with orofacialdigital anomalies; VARADI SYNDROME; VARADI-PAPP SYNDROME. Identifiers: Orphanet 2754, MedGen C2745997, MONDO:0010176, OMIM 277170.
Joubert syndrome 17 (JBTS17). Identifiers: Orphanet 475, MedGen C3553264, MONDO:0013824, OMIM 614615.

Allele frequency attached by ClinVar (database versions not stated): gnomAD exomes 0.00001; gnomAD 0.00002 and 0.00003; TOPMed 0.00002; ExAC 0.00005; 1000 Genomes Project 30x 0.00016; 1000 Genomes Project 0.00020.
gnomAD v4.1: 8 of 1,551,504 alleles (0.00052%); highest among the groups gnomAD compares: African/African-American, 0.0068%; no homozygotes.

Submissions (2):

Labcorp Genetics (formerly Invitae), Labcorp
Classification: Uncertain significance. Last evaluated: 2022-06-13. Review status: criteria provided, single submitter. Criteria: Invitae Variant Classification Sherloc (09022015). Collection method: clinical testing. Allele origin: germline.
Comment: This sequence change replaces arginine, which is basic and polar, with glutamine, which is neutral and polar, at codon 785 of the CPLANE1 protein (p.Arg785Gln). This variant is present in population databases (rs535811932, gnomAD 0.01%). This variant has not been reported in the literature in individuals affected with CPLANE1-related conditions. Advanced modeling of protein sequence and biophysical properties (such as structural, functional, and spatial information, amino acid conservation, physicochemical variation, residue mobility, and thermodynamic stability) performed at Invitae indicates that this missense variant is not expected to disrupt CPLANE1 protein function. Algorithms developed to predict the effect of sequence changes on RNA splicing suggest that this variant may disrupt the consensus splice site. In summary, the available evidence is currently insufficient to determine the role of this variant in disease. Therefore, it has been classified as a Variant of Uncertain Significance.

Fulgent Genetics
Classification: Uncertain significance for Orofaciodigital syndrome type 6; Joubert syndrome 17. Last evaluated: 2021-09-13. Review status: criteria provided, single submitter. Criteria: ACMG Guidelines, 2015. Collection method: clinical testing. Allele origin: unknown.

NM_001384732.1(CPLANE1):c.2354G>A (p.Arg785Gln)

Gene: CPLANE1 (ciliogenesis and planar polarity effector complex subunit 1; minus strand). Cytogenetic location: 5p13.2.
Variant type: single nucleotide variant.
Coding change: c.2354G>A on transcript NM_001384732.1 (MANE Select); coding-DNA position 2354, G replaced by A.
Protein change: p.Arg785Gln; replaces arginine 785 with glutamine.
Molecular consequence: missense variant.
Genome position (GRCh38, 1-based): chr5:37,224,678, C>T on the plus strand (G>A on the coding strand, the complement: CPLANE1 is on the minus strand). VCF-style: chr5-37224678-C-T. GRCh37 (hg19) VCF-style: chr5-37224780-C-T.
Other names: c.2354G>A, p.Arg785Gln (NM_023073.4); short protein forms R785Q.
Identifiers: ClinVar variation 1418738 (VCV001418738.6), dbSNP rs535811932, ClinGen allele CA3239044.